The following is an entry in ClinVar:

ClinVar aggregate classification (germline): Uncertain significance. Review status: criteria provided, multiple submitters, no conflicts (2 of 4 stars). 2 submissions from 2 submitters: Uncertain significance (2). Last evaluated 2025-11-17.

Conditions:
Hereditary cancer-predisposing syndrome. Also called: Neoplastic Syndromes, Hereditary; Tumor predisposition; Hereditary neoplastic syndrome; Hereditary Cancer Syndrome. Identifiers: Orphanet 140162, MedGen C0027672, MeSH D009386, MONDO:0015356.
Familial adenomatous polyposis 1 (FAP1). Also called: POLYPOSIS, ADENOMATOUS INTESTINAL; FAMILIAL ADENOMATOUS POLYPOSIS 1, ATTENUATED. Identifiers: MedGen C2713442, MONDO:0021056, OMIM 175100. Disease mechanism: loss of function.

Allele frequency attached by ClinVar (database versions not stated): gnomAD exomes below 0.00001; ExAC 0.00001.
gnomAD v4.1: 1 of 1,613,994 alleles (0.000062%); highest among the groups gnomAD compares: East Asian, 0.0022%; no homozygotes.

Submissions (2):

Ambry Genetics
Classification: Uncertain significance for Hereditary cancer-predisposing syndrome. Last evaluated: 2025-11-17. Review status: criteria provided, single submitter. Criteria: Ambry Variant Classification Scheme 2023. Collection method: clinical testing. Allele origin: germline.
Comment: The p.P2731S variant (also known as c.8191C>T), located in coding exon 15 of the APC gene, results from a C to T substitution at nucleotide position 8191. The proline at codon 2731 is replaced by serine, an amino acid with similar properties. This amino acid position is well conserved in available vertebrate species. In addition, in silico predictors for this gene do not accurately predict pathogenicity. Missense variants in APC are not a common cause of disease (Spier I et al. Genet Med. 2024 Feb;26(2):100992). Based on the available evidence, the clinical significance of this variant remains unclear.

Labcorp Genetics (formerly Invitae), Labcorp
Classification: Uncertain significance for Familial adenomatous polyposis 1. Last evaluated: 2025-06-03. Review status: criteria provided, single submitter. Criteria: Invitae Variant Classification Sherloc (09022015). Collection method: clinical testing. Allele origin: germline.
Comment: This sequence change replaces proline, which is neutral and non-polar, with serine, which is neutral and polar, at codon 2731 of the APC protein (p.Pro2731Ser). This variant is not present in population databases (gnomAD no frequency). This variant has not been reported in the literature in individuals affected with APC-related conditions. ClinVar contains an entry for this variant (Variation ID: 827496). Invitae Evidence Modeling of protein sequence and biophysical properties (such as structural, functional, and spatial information, amino acid conservation, physicochemical variation, residue mobility, and thermodynamic stability) indicates that this missense variant is not expected to disrupt APC protein function with a negative predictive value of 95%. In summary, the available evidence is currently insufficient to determine the role of this variant in disease. Therefore, it has been classified as a Variant of Uncertain Significance.

NM_000038.6(APC):c.8191C>T (p.Pro2731Ser)

Gene: APC (APC regulator of Wnt signaling pathway; plus strand). Cytogenetic location: 5q22.2.
Variant type: single nucleotide variant.
Coding change: c.8191C>T on transcript NM_000038.6 (MANE Select); coding-DNA position 8191, C replaced by T.
Protein change: p.Pro2731Ser; replaces proline 2731 with serine.
Molecular consequence: missense variant.
Genome position (GRCh38, 1-based): chr5:112,843,785, C>T. VCF-style: chr5-112843785-C-T. GRCh37 (hg19) VCF-style: chr5-112179482-C-T.
Other names: c.8191C>T, p.Pro2731Ser (NM_001127510.3, NM_001354895.2); c.8137C>T, p.Pro2713Ser (NM_001127511.3); c.8245C>T, p.Pro2749Ser (NM_001354896.2); c.8221C>T, p.Pro2741Ser (NM_001354897.2); c.8116C>T, p.Pro2706Ser (NM_001354898.2); c.8107C>T, p.Pro2703Ser (NM_001354899.2); c.8068C>T, p.Pro2690Ser (NM_001354900.2); c.8014C>T, p.Pro2672Ser (NM_001354901.2); and 5 more; short protein forms P2703S, P2706S, P2731S, P2448S, P2640S, P2672S, P2690S, P2571S.
Identifiers: ClinVar variation 827496 (VCV000827496.6), dbSNP rs754566648, ClinGen allele CA050139.
Genomic context (GRCh38, chr5:112,843,785, plus strand): 5'-GTTCCCATGCGTACCGTGGGTTTGGAAAATCGCCTGAACTCCTTTATTCAGGTGGATGCC[C>T]CTGACCAAAAAGGAACTGAGATAAAACCAGGACAAAATAATCCTGTCCCTGTATCAGAGA-3'
Protein context (NP_000029.2, residues 2721-2741): RLNSFIQVDA[Pro2731Ser]DQKGTEIKPG